The following is an entry in ClinVar:

ClinVar aggregate classification (germline): Likely benign. Review status: criteria provided, single submitter (1 of 4 stars). 2 submissions from 2 submitters: Likely benign (1). 1 of the submissions does not count toward it. Last evaluated 2024-10-14.

Conditions:
SLC3A1-related disorder. Also called: SLC3A1-related condition.

Allele frequency attached by ClinVar (database versions not stated): gnomAD exomes below 0.00001; TOPMed 0.00003; ExAC 0.00004.
gnomAD v4.1: 22 of 1,613,882 alleles (0.0014%); highest among the groups gnomAD compares: East Asian, 0.013%; no homozygotes.

Submissions (2):

Blueprint Genetics
Classification: Likely benign. Last evaluated: 2024-10-14. Review status: criteria provided, single submitter. Criteria: ACMG Guidelines, 2015. Collection method: clinical testing. Allele origin: germline.

PreventionGenetics, part of Exact Sciences
Classification: Likely benign for SLC3A1-related condition. Last evaluated: 2019-02-27. Review status: no assertion criteria provided. Collection method: clinical testing. Allele origin: germline. Not counted in ClinVar's aggregate classification.
Comment: This variant is classified as likely benign based on ACMG/AMP sequence variant interpretation guidelines (Richards et al. 2015 PMID: 25741868, with internal and published modifications).

NM_000341.4(SLC3A1):c.2007C>T (p.Ser669=)

Genes: PREPL (prolyl endopeptidase like; minus strand), SLC3A1 (solute carrier family 3 member 1; plus strand). Cytogenetic location: 2p21.
Variant type: single nucleotide variant.
Coding change: c.2007C>T on transcript NM_000341.4 (MANE Select); coding-DNA position 2007, C replaced by T.
Protein change: p.Ser669=; no amino-acid change (serine 669 retained).
Molecular consequence: synonymous variant. On other transcripts: 3 prime UTR variant (10).
Genome position (GRCh38, 1-based): chr2:44,320,588, C>T. VCF-style: chr2-44320588-C-T. GRCh37 (hg19) VCF-style: chr2-44547727-C-T.
Other names: c.*768G>A (NM_001042385.2, NM_001042386.2, NM_001171603.1 and 7 more transcripts).
Identifiers: ClinVar variation 3048747 (VCV003048747.3), dbSNP rs368784606, ClinGen allele CA1640814.